The following is an entry in ClinVar:

NM_203447.4(DOCK8):c.5226_5580+1del

Gene: DOCK8 (dedicator of cytokinesis 8; plus strand). Cytogenetic location: 9p24.3.
Variant type: Deletion.
Coding change: c.5226_5580+1del on transcript NM_203447.4 (MANE Select); coding-DNA position 5226 through the canonical splice donor site of the intron after coding-DNA position 5580, 2,230 bases deleted.
Molecular consequence: splice acceptor variant, splice donor variant.
Genome position (GRCh38, 1-based): chr9:441,288-443,517, 2,230 bases deleted. GRCh37 (hg19): chr9:441,288-443,517.
Other names: c.5022_5376+1del (NM_001193536.2); c.4926_5280+1del (NM_001190458.2).
Identifiers: ClinVar variation 4884343 (VCV004884343.1).

ClinVar aggregate classification (germline): Likely pathogenic (1 of 4 stars; one submission).

Conditions:
Combined immunodeficiency due to DOCK8 deficiency (HIES2). Also called: HIES autosomal recessive; DOCK8 Deficiency; HYPER-IgE RECURRENT INFECTION SYNDROME 2, AUTOSOMAL RECESSIVE; Hyper-IgE recurrent infection syndrome, autosomal recessive; HYPER-IgE SYNDROME 2, AUTOSOMAL RECESSIVE, WITH RECURRENT INFECTIONS. Identifiers: Orphanet 217390, MedGen C4722305, MONDO:0009478, OMIM 243700.

Submission:

Next Generation Genetic Polyclinic
Classification: Likely pathogenic for Combined immunodeficiency due to DOCK8 deficiency. Review status: criteria provided, single submitter. Criteria: ACMG Guidelines, 2015. Collection method: clinical testing. Allele origin: germline. Inheritance: Autosomal recessive inheritance. Affected: yes. Observed: 1 variant allele, 1 homozygote.
Comment: The NC_000009.11 HG19: 9p24.3 | DEL:chr9:441,287-443,516, encompassing exons 39 to 41 of the DOCK8 gene, is a homozygous in-frame multi-exon deletion that removes 3 exons from the DOCK homology region 2 (DHR2) domain, likely disrupting the guanine nucleotide exchange factor (GEF) activity and resulting in a dysfunctional protein (PVS1). This variant is not present in population databases such as gnomAD (PM2_sup). In summary, this variant meets criteria to be classified as pathogenic for DOCK8 deficiency based on the ACMG/AMP criteria applied: PVS1, PP4, PM2_sup, PM3_sup.

Literature cited by the submitters: PubMed 20004785.